The following is an entry in ClinVar:

NM_015909.4(NBAS):c.5074C>T (p.Arg1692Cys)

Gene: NBAS (NBAS subunit of NRZ tethering complex; minus strand). Cytogenetic location: 2p24.3.
Variant type: single nucleotide variant.
Coding change: c.5074C>T on transcript NM_015909.4 (MANE Select); coding-DNA position 5074, C replaced by T.
Protein change: p.Arg1692Cys; replaces arginine 1692 with cysteine.
Molecular consequence: missense variant. On other transcripts: non-coding transcript variant (1).
Genome position (GRCh38, 1-based): chr2:15,287,137, G>A on the plus strand (C>T on the coding strand, the complement: NBAS is on the minus strand). VCF-style: chr2-15287137-G-A. GRCh37 (hg19) VCF-style: chr2-15427261-G-A.
Other names: c.5074C>T (NM_015909.2); short protein forms R1692C.
Identifiers: ClinVar variation 1397282 (VCV001397282.8), dbSNP rs779626422, ClinGen allele CA1535398.

ClinVar aggregate classification (germline): Uncertain significance. Review status: criteria provided, multiple submitters, no conflicts (2 of 4 stars). 2 submissions from 2 submitters: Uncertain significance (2). Last evaluated 2024-07-15.

Conditions:
Inborn genetic diseases. Identifiers: MedGen C0950123, MeSH D030342.

Allele frequency attached by ClinVar (database versions not stated): TOPMed 0.00003; gnomAD exomes 0.00001; ExAC 0.00002; gnomAD 0.00003.
gnomAD v4.1: 29 of 1,613,984 alleles (0.0018%); highest among the groups gnomAD compares: Middle Eastern, 0.016%; no homozygotes.

Submissions (2):

Ambry Genetics
Classification: Uncertain significance for Inborn genetic diseases. Last evaluated: 2024-07-15. Review status: criteria provided, single submitter. Criteria: Ambry Variant Classification Scheme 2023. Collection method: clinical testing. Allele origin: germline.

Labcorp Genetics (formerly Invitae), Labcorp
Classification: Uncertain significance. Last evaluated: 2024-02-24. Review status: criteria provided, single submitter. Criteria: Invitae Variant Classification Sherloc (09022015). Collection method: clinical testing. Allele origin: germline.
Comment: This sequence change replaces arginine, which is basic and polar, with cysteine, which is neutral and slightly polar, at codon 1692 of the NBAS protein (p.Arg1692Cys). This variant is present in population databases (rs779626422, gnomAD 0.006%). This variant has not been reported in the literature in individuals affected with NBAS-related conditions. ClinVar contains an entry for this variant (Variation ID: 1397282). Advanced modeling of protein sequence and biophysical properties (such as structural, functional, and spatial information, amino acid conservation, physicochemical variation, residue mobility, and thermodynamic stability) performed at Invitae indicates that this missense variant is not expected to disrupt NBAS protein function with a negative predictive value of 95%. In summary, the available evidence is currently insufficient to determine the role of this variant in disease. Therefore, it has been classified as a Variant of Uncertain Significance.